The following is an entry in ClinVar:

ClinVar aggregate classification (germline): Uncertain significance (1 of 4 stars; one submission).

gnomAD v4.1: 2 of 1,210,139 alleles (0.00017%); highest among the groups gnomAD compares: African/African-American, 0.0017%; no homozygotes.

Submission:

GeneDx
Classification: Uncertain significance. Last evaluated: 2026-03-10. Review status: criteria provided, single submitter. Criteria: GeneDx Variant Classification Process June 2021. Collection method: clinical testing. Allele origin: germline.
Comment: Not observed at significant frequency in large population cohorts (gnomAD); In silico analysis suggests that this missense variant does not alter protein structure/function; Has not been previously published as pathogenic or benign to our knowledge

NM_018684.4(ZC4H2):c.40A>G (p.Ile14Val)

Gene: ZC4H2 (zinc finger C4H2-type containing; minus strand). Cytogenetic location: Xq11.2.
Variant type: single nucleotide variant.
Coding change: c.40A>G on transcript NM_018684.4 (MANE Select); coding-DNA position 40, A replaced by G.
Protein change: p.Ile14Val; replaces isoleucine 14 with valine.
Molecular consequence: missense variant. On other transcripts: non-coding transcript variant (1), intron variant (2).
Genome position (GRCh38, 1-based): chrX:64,976,338, T>C on the plus strand (A>G on the coding strand, the complement: ZC4H2 is on the minus strand). VCF-style: chrX-64976338-T-C. GRCh37 (hg19) VCF-style: chrX-64196218-T-C.
Other names: c.40A>G, p.Ile14Val (NM_001178033.3); c.-16-54350A>G (NM_001243804.2); c.-271-54095A>G (NM_001178032.3); short protein forms I14V.
Identifiers: ClinVar variation 5008694 (VCV005008694.1).
Genomic context (GRCh38, chrX:64,976,338, plus strand): 5'-AACGAAGGGTTGGAGAGGGGCGGGGAGGGGGACAACGTGCCACTTACCTGATCTCTTTAA[T>C]GCTTTCCAATTTGCACATGATTTCTTGCTCATCTGCCATACTTTTCACTGTCAATTTCAC-3'
Protein context (NP_061154.1, residues 4-24): EQEIMCKLES[Ile14Val]KEIRNKTLQM